The following is an entry in ClinVar:

ClinVar aggregate classification (germline): Uncertain significance. Review status: criteria provided, multiple submitters, no conflicts (2 of 4 stars). 2 submissions from 2 submitters: Uncertain significance (2). Last evaluated 2025-02-04.

Conditions:
Inborn genetic diseases. Identifiers: MedGen C0950123, MeSH D030342.

Allele frequency attached by ClinVar (database versions not stated): gnomAD exomes 0.00002; gnomAD 0.00007 and 0.00008; TOPMed 0.00007.
gnomAD v4.1: 25 of 1,612,664 alleles (0.0016%); highest among the groups gnomAD compares: African/African-American, 0.024%; no homozygotes.

Submissions (2):

Ambry Genetics
Classification: Uncertain significance for Inborn genetic diseases. Last evaluated: 2025-02-04. Review status: criteria provided, single submitter. Criteria: Ambry Variant Classification Scheme 2023. Collection method: clinical testing. Allele origin: germline.

Labcorp Genetics (formerly Invitae), Labcorp
Classification: Uncertain significance. Last evaluated: 2022-08-09. Review status: criteria provided, single submitter. Criteria: Invitae Variant Classification Sherloc (09022015). Collection method: clinical testing. Allele origin: germline.
Comment: In summary, the available evidence is currently insufficient to determine the role of this variant in disease. Therefore, it has been classified as a Variant of Uncertain Significance. Algorithms developed to predict the effect of missense changes on protein structure and function (SIFT, PolyPhen-2, Align-GVGD) all suggest that this variant is likely to be disruptive. ClinVar contains an entry for this variant (Variation ID: 1438347). This variant has not been reported in the literature in individuals affected with MPDZ-related conditions. This variant is present in population databases (no rsID available, gnomAD 0.01%). This sequence change replaces arginine, which is basic and polar, with cysteine, which is neutral and slightly polar, at codon 235 of the MPDZ protein (p.Arg235Cys).

NM_001378778.1(MPDZ):c.703C>T (p.Arg235Cys)

Gene: MPDZ (multiple PDZ domain crumbs cell polarity complex component; minus strand). Cytogenetic location: 9p23.
Variant type: single nucleotide variant.
Coding change: c.703C>T on transcript NM_001378778.1 (MANE Select); coding-DNA position 703, C replaced by T.
Protein change: p.Arg235Cys; replaces arginine 235 with cysteine.
Molecular consequence: missense variant.
Genome position (GRCh38, 1-based): chr9:13,222,277, G>A on the plus strand (C>T on the coding strand, the complement: MPDZ is on the minus strand). VCF-style: chr9-13222277-G-A. GRCh37 (hg19) VCF-style: chr9-13222276-G-A.
Other names: c.703C>T, p.Arg235Cys (NM_001261406.2, NM_001261407.2, NM_001330637.2 and 14 more transcripts); c.703C>T (NM_003829.3); short protein forms R235C.
Identifiers: ClinVar variation 1438347 (VCV001438347.7), dbSNP rs887434053, ClinGen allele CA189324493.